The following is an entry in ClinVar:

NM_000059.4(BRCA2):c.6369A>C (p.Glu2123Asp)

Gene: BRCA2 (BRCA2 DNA repair associated; plus strand). Cytogenetic location: 13q13.1.
Variant type: single nucleotide variant.
Coding change: c.6369A>C on transcript NM_000059.4 (MANE Select); coding-DNA position 6369, A replaced by C.
Protein change: p.Glu2123Asp; replaces glutamic acid 2123 with aspartic acid.
Molecular consequence: missense variant.
Genome position (GRCh38, 1-based): chr13:32,340,724, A>C. VCF-style: chr13-32340724-A-C. GRCh37 (hg19) VCF-style: chr13-32914861-A-C.
Other names: short protein forms E2123D.
Identifiers: ClinVar variation 418991 (VCV000418991.29), dbSNP rs1064793571, ClinGen allele CA16619742.

ClinVar aggregate classification (germline): Conflicting classifications of pathogenicity. Review status: criteria provided, conflicting classifications (1 of 4 stars). 10 submissions from 10 submitters: Uncertain significance (5); Likely benign (3). 2 of the submissions do not count toward it. Last evaluated 2024-10-09.

Conditions:
Hereditary cancer-predisposing syndrome. Also called: Hereditary neoplastic syndrome; Hereditary Cancer Syndrome; Neoplastic Syndromes, Hereditary; Tumor predisposition. Identifiers: Orphanet 140162, MedGen C0027672, MeSH D009386, MONDO:0015356.
BRCA2-related cancer predisposition. Identifiers: MedGen CN377758, MONDO:0700269.
Breast-ovarian cancer, familial, susceptibility to, 2 (BROVCA2). Also called: BRCA2 Hereditary Breast and Ovarian Cancer. Identifiers: Orphanet 145, MedGen C2675520, MONDO:0012933, OMIM 612555. Disease mechanism: loss of function.
Hereditary breast ovarian cancer syndrome. Also called: Hereditary breast and ovarian cancer syndrome; BRCA1- and BRCA2-Associated Hereditary Breast and Ovarian Cancer; Hereditary breast and/or ovarian cancer syndrome; Hereditary breast and ovarian cancer; Breast and ovarian cancer; Hereditary breast and ovarian cancer syndrome (HBOC). Identifiers: Orphanet 145, MedGen C0677776, MeSH D061325, MONDO:0003582. Disease mechanism: loss of function.

Allele frequency attached by ClinVar (database versions not stated): gnomAD exomes below 0.00001.

Submissions (10):

Labcorp Genetics (formerly Invitae), Labcorp
Classification: Uncertain significance for Hereditary breast ovarian cancer syndrome. Last evaluated: 2024-10-09. Review status: criteria provided, single submitter. Criteria: Invitae Variant Classification Sherloc (09022015). Collection method: clinical testing. Allele origin: germline.
Comment: This sequence change replaces glutamic acid, which is acidic and polar, with aspartic acid, which is acidic and polar, at codon 2123 of the BRCA2 protein (p.Glu2123Asp). This variant is not present in population databases (gnomAD no frequency). This missense change has been observed in individual(s) with clinical features of BRCA2-related conditions (PMID: 21520333). ClinVar contains an entry for this variant (Variation ID: 418991). Invitae Evidence Modeling of protein sequence and biophysical properties (such as structural, functional, and spatial information, amino acid conservation, physicochemical variation, residue mobility, and thermodynamic stability) indicates that this missense variant is not expected to disrupt BRCA2 protein function with a negative predictive value of 95%. In summary, the available evidence is currently insufficient to determine the role of this variant in disease. Therefore, it has been classified as a Variant of Uncertain Significance.

All of Us Research Program, National Institutes of Health
Classification: Uncertain significance for BRCA2-related cancer predisposition. Last evaluated: 2024-07-20. Review status: criteria provided, single submitter. Criteria: ACMG Guidelines, 2015. Collection method: clinical testing. Allele origin: germline. Inheritance: Autosomal dominant inheritance. Observed: 1 variant allele, 1 heterozygote.
Comment: This missense variant replaces glutamic acid with aspartic acid at codon 2123 of the BRCA2 protein. Computational prediction suggests that this variant may not impact protein structure and function (internally defined REVEL score threshold <= 0.5, PMID: 27666373). To our knowledge, functional studies have not been performed for this variant. This variant has not been reported in individuals affected with hereditary cancer in the literature. This variant has not been identified in the general population by the Genome Aggregation Database (gnomAD). The available evidence is insufficient to determine the role of this variant in disease conclusively. Therefore, this variant is classified as a Variant of Uncertain Significance.

This study involves interpretation of variants in research participants for the purpose of population health screening. Participant phenotype was not available at the time of variant classification. Additional details can be found in publication PMID: 35346344, PMCID: PMC8962531

Color Diagnostics, LLC DBA Color Health
Classification: Uncertain significance for Hereditary cancer-predisposing syndrome. Last evaluated: 2024-07-11. Review status: criteria provided, single submitter. Criteria: ACMG Guidelines, 2015. Collection method: clinical testing. Allele origin: germline.
Comment: This missense variant replaces glutamic acid with aspartic acid at codon 2123 of the BRCA2 protein. Computational prediction suggests that this variant may not impact protein structure and function. To our knowledge, functional studies have not been performed for this variant. This variant has been reported in an individual affected with breast cancer (PMID: 33471991; Leiden Open Variation Database DB-ID BRCA2_001389). This variant has not been identified in the general population by the Genome Aggregation Database (gnomAD). The available evidence is insufficient to determine the role of this variant in disease conclusively. Therefore, this variant is classified as a Variant of Uncertain Significance.

Ambry Genetics
Classification: Uncertain significance for Hereditary cancer-predisposing syndrome. Last evaluated: 2023-08-04. Review status: criteria provided, single submitter. Criteria: Ambry Variant Classification Scheme 2023. Collection method: clinical testing. Allele origin: germline.
Comment: The p.E2123D variant (also known as c.6369A>C), located in coding exon 10 of the BRCA2 gene, results from an A to C substitution at nucleotide position 6369. The glutamic acid at codon 2123 is replaced by aspartic acid, an amino acid with highly similar properties. This variant was not reported in population based cohorts in the following databases: Database of Single Nucleotide Polymorphisms (dbSNP), NHLBI Exome Sequencing Project (ESP), and 1000 Genomes Project. In the ESP, this variant was not observed in 6495 samples (12990 alleles) with coverage at this position.To date, this alteration has been detected with an allele frequency of approximately 0.0003% (greater than 300000 alleles tested) in our clinical cohort. This amino acid position is poorly conserved in available vertebrate species. In addition, this alteration is predicted to be tolerated by in silico analysis. Since supporting evidence is limited at this time, the clinical significance of this alteration remains unclear.

University of Washington Department of Laboratory Medicine, University of Washington
Classification: Likely benign for Hereditary cancer-predisposing syndrome. Last evaluated: 2023-03-23. Review status: criteria provided, single submitter. Criteria: Dines et al. (Genet Med. 2020). Collection method: curation. Allele origin: germline.
Comment: Missense variant in a coldspot region where missense variants are very unlikely to be pathogenic (PMID:31911673).

BRCA2 exon 11 coldspot. Reclassification based on statistical prior probability.

GeneDx
Classification: Uncertain significance. Last evaluated: 2020-10-15. Review status: criteria provided, single submitter. Criteria: GeneDx Variant Classification Process June 2021. Collection method: clinical testing. Allele origin: germline. Affected: yes.
Comment: Not observed in large population cohorts (Lek 2016); In silico analysis supports that this missense variant does not alter protein structure/function; Has not been previously published as pathogenic or benign to our knowledge

Genome Diagnostics Laboratory, University Medical Center Utrecht
Classification: Likely benign for Breast-ovarian cancer, familial, susceptibility to, 2. Last evaluated: 2017-07-28. Review status: criteria provided, single submitter. Criteria: ACGS Guidelines, 2013. Collection method: clinical testing. Allele origin: germline. Affected: yes. Study: VKGL Data-share Consensus.

Clinical Genetics DNA and cytogenetics Diagnostics Lab, Erasmus MC, Erasmus Medical Center
Classification: Likely benign for Breast-ovarian cancer, familial, susceptibility to, 2. Last evaluated: 2015-09-21. Review status: criteria provided, single submitter. Criteria: ACGS Guidelines, 2013. Collection method: clinical testing. Allele origin: germline. Affected: yes. Study: VKGL Data-share Consensus.

Diagnostic Laboratory, Department of Genetics, University Medical Center Groningen
Classification: Likely benign. Review status: no assertion criteria provided. Collection method: clinical testing. Allele origin: germline. Affected: yes. Study: VKGL Data-share Consensus. Not counted in ClinVar's aggregate classification.

Joint Genome Diagnostic Labs from Nijmegen and Maastricht, Radboudumc and MUMC+
Classification: Likely benign. Review status: no assertion criteria provided. Collection method: clinical testing. Allele origin: germline. Affected: yes. Study: VKGL Data-share Consensus. Not counted in ClinVar's aggregate classification.

Literature cited by the submitters: PubMed 21520333 (cited by Labcorp Genetics (formerly Invitae), Labcorp); PubMed 33471991 (cited by Color Diagnostics, LLC DBA Color Health).